The following is an entry in ClinVar:

ClinVar aggregate classification (germline): Uncertain significance (1 of 4 stars; one submission).

Allele frequency attached by ClinVar (database versions not stated): gnomAD exomes below 0.00001 and 0.00001; ExAC 0.00001; TOPMed 0.00001.
gnomAD v4.1: 3 of 1,612,880 alleles (0.00019%); highest among the groups gnomAD compares: South Asian, 0.0022%; no homozygotes.

Submission:

Labcorp Genetics (formerly Invitae), Labcorp
Classification: Uncertain significance. Last evaluated: 2024-12-09. Review status: criteria provided, single submitter. Criteria: Invitae Variant Classification Sherloc (09022015). Collection method: clinical testing. Allele origin: germline.
Comment: This sequence change replaces tyrosine, which is neutral and polar, with histidine, which is basic and polar, at codon 2179 of the USH2A protein (p.Tyr2179His). This variant is present in population databases (rs779772574, gnomAD 0.007%). This variant has not been reported in the literature in individuals affected with USH2A-related conditions. ClinVar contains an entry for this variant (Variation ID: 1035108). Invitae Evidence Modeling of protein sequence and biophysical properties (such as structural, functional, and spatial information, amino acid conservation, physicochemical variation, residue mobility, and thermodynamic stability) indicates that this missense variant is not expected to disrupt USH2A protein function with a negative predictive value of 95%. In summary, the available evidence is currently insufficient to determine the role of this variant in disease. Therefore, it has been classified as a Variant of Uncertain Significance.

NM_206933.4(USH2A):c.6535T>C (p.Tyr2179His)

Gene: USH2A (usherin; minus strand). Cytogenetic location: 1q41.
Variant type: single nucleotide variant.
Coding change: c.6535T>C on transcript NM_206933.4 (MANE Select); coding-DNA position 6535, T replaced by C.
Protein change: p.Tyr2179His; replaces tyrosine 2179 with histidine.
Molecular consequence: missense variant.
Genome position (GRCh38, 1-based): chr1:215,999,009, A>G on the plus strand (T>C on the coding strand, the complement: USH2A is on the minus strand). VCF-style: chr1-215999009-A-G. GRCh37 (hg19) VCF-style: chr1-216172351-A-G.
Other names: short protein forms Y2179H.
Identifiers: ClinVar variation 1035108 (VCV001035108.6), dbSNP rs779772574, ClinGen allele CA1395110.